The following is an entry in ClinVar:

NM_198253.3(TERT):c.-1G>C

Genes: TERT (telomerase reverse transcriptase; minus strand), LOC110806263 (TERT 5' regulatory region; plus strand). Cytogenetic location: 5p15.33.
Variant type: single nucleotide variant.
Coding change: c.-1G>C on transcript NM_198253.3 (MANE Select); 1 bases upstream of the start codon, G replaced by C.
Molecular consequence: 5 prime UTR variant. On other transcripts: non-coding transcript variant (2).
Genome position (GRCh38, 1-based): chr5:1,294,990, C>G on the plus strand (G>C on the coding strand, the complement: TERT is on the minus strand). VCF-style: chr5-1294990-C-G. GRCh37 (hg19) VCF-style: chr5-1295105-C-G.
Other names: c.-1G>C (NM_001193376.3).
Identifiers: ClinVar variation 4182771 (VCV004182771.1).

ClinVar aggregate classification (germline): Uncertain significance (1 of 4 stars; one submission).

Conditions:
Dyskeratosis congenita. Identifiers: Orphanet 1775, MedGen C0265965, MONDO:0015780.

gnomAD v4.1: 1 of 1,317,240 alleles (0.000076%); highest among the groups gnomAD compares: Non-Finnish European, 0.000096%; no homozygotes.

Submission:

Ambry Genetics
Classification: Uncertain significance for Dyskeratosis congenita. Last evaluated: 2025-07-22. Review status: criteria provided, single submitter. Criteria: Ambry Variant Classification Scheme 2023. Collection method: clinical testing. Allele origin: germline.
Comment: The c.-1G>C variant is located in the 5' untranslated region (5&rsquo; UTR) of the TERT gene. This variant results from a G to C substitution 1 bases upstream from the first translated codon. This nucleotide position is not well conserved in available vertebrate species. Based on the available evidence, the clinical significance of this variant remains unclear.